The following is an entry in ClinVar:

NM_001401501.2(MUC16):c.43638T>G (p.Asp14546Glu)

Gene: MUC16 (mucin 16, cell surface associated; minus strand). Cytogenetic location: 19p13.2.
Variant type: single nucleotide variant.
Coding change: c.43638T>G on transcript NM_001401501.2 (MANE Select); coding-DNA position 43638, T replaced by G.
Protein change: p.Asp14546Glu; replaces aspartic acid 14546 with glutamic acid.
Molecular consequence: missense variant.
Genome position (GRCh38, 1-based): chr19:8,885,784, A>C on the plus strand (T>G on the coding strand, the complement: MUC16 is on the minus strand). VCF-style: chr19-8885784-A-C. GRCh37 (hg19) VCF-style: chr19-8996460-A-C.
Other names: c.44064T>G, p.Asp14688Glu (NM_001414686.1); c.43518T>G, p.Asp14506Glu (NM_001414687.1); c.41112T>G, p.Asp13704Glu (NM_024690.2); short protein forms D13704E, D14506E, D14546E, D14688E.
Identifiers: ClinVar variation 777411 (VCV000777411.6), dbSNP rs115933306, ClinGen allele CA9162967.

ClinVar aggregate classification (germline): Benign. Review status: criteria provided, multiple submitters, no conflicts (2 of 4 stars). 3 submissions from 3 submitters: Benign (2). 1 of the submissions does not count toward it. Last evaluated 2018-01-22.

Conditions:
MUC16-related disorder. Also called: MUC16-related condition.

Allele frequency attached by ClinVar (database versions not stated): gnomAD exomes 0.00276 and 0.00801; ExAC 0.00958; ESP Exome Variant Server 0.02724; gnomAD 0.03005 and 0.03205; TOPMed 0.03435; 1000 Genomes Project 0.03474; 1000 Genomes Project 30x 0.03888.

Submissions (3):

Labcorp Genetics (formerly Invitae), Labcorp
Classification: Benign. Last evaluated: 2018-01-22. Review status: criteria provided, single submitter. Criteria: Invitae Variant Classification Sherloc (09022015). Collection method: clinical testing. Allele origin: germline.

Breakthrough Genomics
Classification: Benign. Review status: criteria provided, single submitter. Criteria: ACMG Guidelines, 2015. Collection method: not provided. Allele origin: germline. Inheritance: Unknown mechanism. Affected: yes.

PreventionGenetics, part of Exact Sciences
Classification: Benign for MUC16-related condition. Last evaluated: 2020-01-02. Review status: no assertion criteria provided. Collection method: clinical testing. Allele origin: germline. Not counted in ClinVar's aggregate classification.
Comment: This variant is classified as benign based on ACMG/AMP sequence variant interpretation guidelines (Richards et al. 2015 PMID: 25741868, with internal and published modifications).